The following is an entry in ClinVar:

ClinVar aggregate classification (germline): Uncertain significance. Review status: criteria provided, multiple submitters, no conflicts (2 of 4 stars). 6 submissions from 6 submitters: Uncertain significance (5). 1 of the submissions does not count toward it. Last evaluated 2025-12-05.

Conditions:
Hereditary cancer-predisposing syndrome. Also called: Neoplastic Syndromes, Hereditary; Hereditary Cancer Syndrome; Hereditary neoplastic syndrome; Tumor predisposition. Identifiers: Orphanet 140162, MedGen C0027672, MeSH D009386, MONDO:0015356.
Ataxia-telangiectasia syndrome (AT). Also called: Cerebello-oculocutaneous telangiectasia; Immunodeficiency with ataxia telangiectasia; Ataxia-telangiectasia, complementation group D; AT, COMPLEMENTATION GROUP C; ATAXIA-TELANGIECTASIA, FRESNO VARIANT; ATAXIA-TELANGIECTASIA, COMPLEMENTATION GROUP A. Identifiers: Orphanet 100, MedGen C0004135, MONDO:0008840, OMIM 208900.

Allele frequency attached by ClinVar (database versions not stated): gnomAD exomes below 0.00001.
gnomAD v4.1: 2 of 1,613,566 alleles (0.00012%); highest among the groups gnomAD compares: Admixed American, 0.0017%; no homozygotes.

Submissions (6):

Labcorp Genetics (formerly Invitae), Labcorp
Classification: Uncertain significance for Ataxia-telangiectasia syndrome. Last evaluated: 2025-12-05. Review status: criteria provided, single submitter. Criteria: Invitae Variant Classification Sherloc (09022015). Collection method: clinical testing. Allele origin: germline.
Comment: This sequence change replaces glutamic acid, which is acidic and polar, with valine, which is neutral and non-polar, at codon 586 of the ATM protein (p.Glu586Val). This variant is not present in population databases (gnomAD no frequency). This variant has not been reported in the literature in individuals affected with ATM-related conditions. ClinVar contains an entry for this variant (Variation ID: 141649). Invitae Evidence Modeling of protein sequence and biophysical properties (such as structural, functional, and spatial information, amino acid conservation, physicochemical variation, residue mobility, and thermodynamic stability) indicates that this missense variant is not expected to disrupt ATM protein function with a negative predictive value of 95%. In summary, the available evidence is currently insufficient to determine the role of this variant in disease. Therefore, it has been classified as a Variant of Uncertain Significance.

Quest Diagnostics Nichols Institute San Juan Capistrano
Classification: Uncertain significance. Last evaluated: 2025-04-11. Review status: criteria provided, single submitter. Criteria: Quest Diagnostics criteria. Collection method: clinical testing. Allele origin: unknown.

Ambry Genetics
Classification: Uncertain significance for Hereditary cancer-predisposing syndrome. Last evaluated: 2024-09-13. Review status: criteria provided, single submitter. Criteria: Ambry Variant Classification Scheme 2023. Collection method: clinical testing. Allele origin: germline.
Comment: The p.E586V variant (also known as c.1757A>T), located in coding exon 10 of the ATM gene, results from an A to T substitution at nucleotide position 1757. The glutamic acid at codon 586 is replaced by valine, an amino acid with dissimilar properties. This amino acid position is highly conserved in available vertebrate species. In addition, the in silico prediction for this alteration is inconclusive. Based on the available evidence, the clinical significance of this variant remains unclear.

Color Diagnostics, LLC DBA Color Health
Classification: Uncertain significance for Hereditary cancer-predisposing syndrome. Last evaluated: 2024-03-06. Review status: criteria provided, single submitter. Criteria: ACMG Guidelines, 2015. Collection method: clinical testing. Allele origin: germline.
Comment: This missense variant replaces glutamic acid with valine at codon 586 of the ATM protein. Computational prediction suggests that this variant may not impact protein structure and function (internally defined REVEL score threshold <= 0.5, PMID: 27666373). To our knowledge, functional studies have not been reported for this variant. This variant has not been reported in individuals affected with hereditary cancer in the literature. This variant has not been identified in the general population by the Genome Aggregation Database (gnomAD). The available evidence is insufficient to determine the role of this variant in disease conclusively. Therefore, this variant is classified as a Variant of Uncertain Significance.

GeneDx
Classification: Uncertain significance. Last evaluated: 2024-02-20. Review status: criteria provided, single submitter. Criteria: GeneDx Variant Classification Process June 2021. Collection method: clinical testing. Allele origin: germline. Affected: yes.
Comment: Not observed at significant frequency in large population cohorts (gnomAD); In silico analysis supports that this missense variant does not alter protein structure/function; Has not been previously published as pathogenic or benign to our knowledge; This variant is associated with the following publications: (PMID: 23817176)

Natera, Inc.
Classification: Uncertain significance for Ataxia-telangiectasia. Last evaluated: 2025-01-27. Review status: no assertion criteria provided. Collection method: clinical testing. Allele origin: germline. Not counted in ClinVar's aggregate classification.

NM_000051.4(ATM):c.1757A>T (p.Glu586Val)

Gene: ATM (ATM serine/threonine kinase; plus strand). Cytogenetic location: 11q22.3.
Variant type: single nucleotide variant.
Coding change: c.1757A>T on transcript NM_000051.4 (MANE Select); coding-DNA position 1757, A replaced by T.
Protein change: p.Glu586Val; replaces glutamic acid 586 with valine.
Molecular consequence: missense variant.
Genome position (GRCh38, 1-based): chr11:108,251,986, A>T. VCF-style: chr11-108251986-A-T. GRCh37 (hg19) VCF-style: chr11-108122713-A-T.
Other names: c.1757A>T, p.Glu586Val (NM_001351834.2); short protein forms E586V.
Identifiers: ClinVar variation 141649 (VCV000141649.21), dbSNP rs587781907, ClinGen allele CA166034.